The following is an entry in ClinVar:

NM_001130438.3(SPTAN1):c.4906-15C>T

Gene: SPTAN1 (spectrin alpha, non-erythrocytic 1; plus strand). Cytogenetic location: 9q34.11.
Variant type: single nucleotide variant.
Coding change: c.4906-15C>T on transcript NM_001130438.3 (MANE Select); 15 bases into the intron before coding-DNA position 4906, C replaced by T.
Molecular consequence: intron variant.
Genome position (GRCh38, 1-based): chr9:128,612,094, C>T. VCF-style: chr9-128612094-C-T. GRCh37 (hg19) VCF-style: chr9-131374373-C-T.
Other names: c.4906-15C>T (NM_001363759.2); c.4891-15C>T (NM_003127.4); c.4846-15C>T (NM_001363765.2); c.4831-15C>T (NM_001195532.2).
Identifiers: ClinVar variation 378661 (VCV000378661.10), dbSNP rs756241253, ClinGen allele CA5265343.

ClinVar aggregate classification (germline): Likely benign. Review status: criteria provided, multiple submitters, no conflicts (2 of 4 stars). 3 submissions from 3 submitters: Likely benign (3). Last evaluated 2025-12-21.

Conditions:
Early-infantile DEE. Also called: Ohtahara syndrome; Early infantile epileptic encephalopathy; Early infantile epileptic encephalopathy with suppression bursts. Identifiers: Orphanet 1934, MedGen C0393706, MONDO:0800491.

Allele frequency attached by ClinVar (database versions not stated): ExAC 0.00002; gnomAD exomes 0.00002; gnomAD 0.00003; TOPMed 0.00003.
gnomAD v4.1: 88 of 1,613,968 alleles (0.0055%); highest among the groups gnomAD compares: Non-Finnish European, 0.0072%; no homozygotes.

Submissions (3):

Labcorp Genetics (formerly Invitae), Labcorp
Classification: Likely benign for Early-infantile DEE. Last evaluated: 2025-12-21. Review status: criteria provided, single submitter. Criteria: Invitae Variant Classification Sherloc (09022015). Collection method: clinical testing. Allele origin: germline.

Blueprint Genetics
Classification: Likely benign. Last evaluated: 2023-05-17. Review status: criteria provided, single submitter. Criteria: ACMG Guidelines, 2015. Collection method: clinical testing. Allele origin: germline.

GeneDx
Classification: Likely benign. Last evaluated: 2016-12-27. Review status: criteria provided, single submitter. Criteria: GeneDx Variant Classification (06012015). Collection method: clinical testing. Allele origin: germline. Affected: yes.
Comment: This variant is considered likely benign or benign based on one or more of the following criteria: it is a conservative change, it occurs at a poorly conserved position in the protein, it is predicted to be benign by multiple in silico algorithms, and/or has population frequency not consistent with disease.